The following is an entry in ClinVar:

NM_080605.4(B3GALT6):c.261G>A (p.Pro87=)

Gene: B3GALT6 (beta-1,3-galactosyltransferase 6; plus strand). Cytogenetic location: 1p36.33.
Variant type: single nucleotide variant.
Coding change: c.261G>A on transcript NM_080605.4 (MANE Select); coding-DNA position 261, G replaced by A.
Protein change: p.Pro87=; no amino-acid change (proline 87 retained).
Molecular consequence: synonymous variant.
Genome position (GRCh38, 1-based): chr1:1,232,539, G>A. VCF-style: chr1-1232539-G-A. GRCh37 (hg19) VCF-style: chr1-1167919-G-A.
Other names: p.Pro87=.
Identifiers: ClinVar variation 2142855 (VCV002142855.5), dbSNP rs1410126668, ClinGen allele CA415761251.

ClinVar aggregate classification (germline): Likely benign. Review status: criteria provided, multiple submitters, no conflicts (2 of 4 stars). 2 submissions from 2 submitters: Likely benign (2). Last evaluated 2025-10-01.

Conditions:
Spondyloepimetaphyseal dysplasia with joint laxity (SEMDJL). Identifiers: MedGen C0432243, MONDO:0019675.
Ehlers-Danlos syndrome, spondylodysplastic type, 2 (EDSSPD2). Also called: Ehlers-Danlos syndrome, progeroid type, 2. Identifiers: Orphanet 536467, Orphanet 75496, MedGen C3809210, MONDO:0014139, OMIM 615349.

gnomAD v4.1: 24 of 1,157,042 alleles (0.0021%); highest among the groups gnomAD compares: Non-Finnish European, 0.0024%; no homozygotes.

Submissions (2):

Labcorp Genetics (formerly Invitae), Labcorp
Classification: Likely benign for Ehlers-Danlos syndrome, spondylodysplastic type, 2; Spondyloepimetaphyseal dysplasia with joint laxity. Last evaluated: 2025-10-01. Review status: criteria provided, single submitter. Criteria: Invitae Variant Classification Sherloc (09022015). Collection method: clinical testing. Allele origin: germline.

Mayo Clinic Laboratories, Mayo Clinic
Classification: Likely benign. Last evaluated: 2025-07-16. Review status: criteria provided, single submitter. Criteria: ACMG Guidelines, 2015. Collection method: clinical testing. Allele origin: germline. Observed: 1 variant allele.
Comment: BP4, BP7, PM2_supporting